The following is an entry in ClinVar:

NM_001122769.3(LCA5):c.1289G>A (p.Arg430Lys)

Gene: LCA5 (lebercilin LCA5; minus strand). Cytogenetic location: 6q14.1.
Variant type: single nucleotide variant.
Coding change: c.1289G>A on transcript NM_001122769.3 (MANE Select); coding-DNA position 1289, G replaced by A.
Protein change: p.Arg430Lys; replaces arginine 430 with lysine.
Molecular consequence: missense variant.
Genome position (GRCh38, 1-based): chr6:79,487,809, C>T on the plus strand (G>A on the coding strand, the complement: LCA5 is on the minus strand). VCF-style: chr6-79487809-C-T. GRCh37 (hg19) VCF-style: chr6-80197526-C-T.
Other names: c.1289G>A, p.Arg430Lys (NM_181714.4); short protein forms R430K.
Identifiers: ClinVar variation 2201622 (VCV002201622.3), dbSNP rs1769713919, ClinGen allele CA364641237.

ClinVar aggregate classification (germline): Uncertain significance (1 of 4 stars; one submission).

Allele frequency attached by ClinVar (database versions not stated): gnomAD exomes below 0.00001; TOPMed below 0.00001.

Submission:

Labcorp Genetics (formerly Invitae), Labcorp
Classification: Uncertain significance. Last evaluated: 2024-10-29. Review status: criteria provided, single submitter. Criteria: Invitae Variant Classification Sherloc (09022015). Collection method: clinical testing. Allele origin: germline.
Comment: This sequence change replaces arginine, which is basic and polar, with lysine, which is basic and polar, at codon 430 of the LCA5 protein (p.Arg430Lys). This variant is not present in population databases (gnomAD no frequency). This variant has not been reported in the literature in individuals affected with LCA5-related conditions. ClinVar contains an entry for this variant (Variation ID: 2201622). Invitae Evidence Modeling of protein sequence and biophysical properties (such as structural, functional, and spatial information, amino acid conservation, physicochemical variation, residue mobility, and thermodynamic stability) indicates that this missense variant is not expected to disrupt LCA5 protein function with a negative predictive value of 80%. In summary, the available evidence is currently insufficient to determine the role of this variant in disease. Therefore, it has been classified as a Variant of Uncertain Significance.